The following is an entry in ClinVar:

ClinVar aggregate classification (germline): Uncertain significance. Review status: criteria provided, multiple submitters, no conflicts (2 of 4 stars). 3 submissions from 3 submitters: Uncertain significance (3). Last evaluated 2026-02-17.

Conditions:
Hereditary cancer-predisposing syndrome. Also called: Neoplastic Syndromes, Hereditary; Hereditary Cancer Syndrome; Tumor predisposition; Hereditary neoplastic syndrome. Identifiers: Orphanet 140162, MedGen C0027672, MeSH D009386, MONDO:0015356.
Neuroblastoma, susceptibility to, 3. Also called: ALK-Related Neuroblastic Tumor Susceptibility. Identifiers: Orphanet 635, MedGen C2751681, MONDO:0013083, OMIM 613014.

Allele frequency attached by ClinVar (database versions not stated): gnomAD 0.00001; gnomAD exomes 0.00001.
gnomAD v4.1: 7 of 1,595,174 alleles (0.00044%); highest among the groups gnomAD compares: Non-Finnish European, 0.00034%; no homozygotes.

Submissions (3):

Dasa
Classification: Uncertain significance. Last evaluated: 2026-02-17. Review status: criteria provided, single submitter. Criteria: DASA Assertion Criteria. Collection method: clinical testing. Allele origin: germline.
Comment: NM_004304.5(ALK):c.244G>A (p.Ala82Thr) is a missense variant that results in the substitution of alanine with threonine. This variant is rare in population databases. Computational prediction algorithms are consistent with a benign effect. The currently available literature and clinical evidence are not sufficient to establish a definitive association between this variant and the reported condition. Therefore, this variant is classified as a variant of uncertain significance.

Labcorp Genetics (formerly Invitae), Labcorp
Classification: Uncertain significance for Neuroblastoma, susceptibility to, 3. Last evaluated: 2025-12-01. Review status: criteria provided, single submitter. Criteria: Invitae Variant Classification Sherloc (09022015). Collection method: clinical testing. Allele origin: germline.
Comment: This sequence change replaces alanine, which is neutral and non-polar, with threonine, which is neutral and polar, at codon 82 of the ALK protein (p.Ala82Thr). This variant is present in population databases (no rsID available, gnomAD 0.004%). This variant has not been reported in the literature in individuals affected with ALK-related conditions. ClinVar contains an entry for this variant (Variation ID: 538205). An algorithm developed to predict the effect of missense changes on protein structure and function outputs the following: PolyPhen-2: "Benign". The threonine amino acid residue is found in multiple mammalian species, which suggests that this missense change does not adversely affect protein function. In summary, the available evidence is currently insufficient to determine the role of this variant in disease. Therefore, it has been classified as a Variant of Uncertain Significance.

Ambry Genetics
Classification: Uncertain significance for Hereditary cancer-predisposing syndrome. Last evaluated: 2025-06-17. Review status: criteria provided, single submitter. Criteria: Ambry Variant Classification Scheme 2023. Collection method: clinical testing. Allele origin: germline.

NM_004304.5(ALK):c.244G>A (p.Ala82Thr)

Gene: ALK (ALK receptor tyrosine kinase; minus strand). Cytogenetic location: 2p23.1.
Variant type: single nucleotide variant.
Coding change: c.244G>A on transcript NM_004304.5 (MANE Select); coding-DNA position 244, G replaced by A.
Protein change: p.Ala82Thr; replaces alanine 82 with threonine.
Molecular consequence: missense variant.
Genome position (GRCh38, 1-based): chr2:29,920,416, C>T on the plus strand (G>A on the coding strand, the complement: ALK is on the minus strand). VCF-style: chr2-29920416-C-T. GRCh37 (hg19) VCF-style: chr2-30143282-C-T.
Other names: short protein forms A82T.
Identifiers: ClinVar variation 538205 (VCV000538205.17), dbSNP rs1322397265, ClinGen allele CA346590413.